The following is an entry in ClinVar:

ClinVar aggregate classification (germline): Benign (1 of 4 stars; one submission).

Conditions:
MELAS syndrome (MELAS). Also called: Juvenile myopathy, encephalopathy, lactic acidosis, stroke. Identifiers: Orphanet 550, MedGen C0162671, MONDO:0010789, OMIM 540000.

Submission:

Wong Mito Lab, Molecular and Human Genetics, Baylor College of Medicine
Classification: Benign for MELAS syndrome. Last evaluated: 2019-07-12. Review status: criteria provided, single submitter. Criteria: Modified ACMG Guidelines (Unpublished). Collection method: clinical testing. Allele origin: germline.
Comment: The NC_012920.1:m.10006A>G variant in MT-TG gene is interpreted to be a Benign variant based on the modified ACMG guidelines (unpublished). This variant meets the following evidence codes reported in the guidelines: BS1, BS2, BP4

Literature cited by the submitters: PubMed 31965079.

NC_012920.1(MT-TG):m.10006A>G

Gene: MT-TG (mitochondrially encoded tRNA glycine; plus strand).
Variant type: single nucleotide variant.
Genome position: chrM-10006-A-G.
Identifiers: ClinVar variation 690094 (VCV000690094.1), dbSNP rs1603222622, ClinGen allele CA913161497.